The following is an entry in ClinVar:

ClinVar aggregate classification (germline): Uncertain significance (1 of 4 stars; one submission).

Submission:

GeneDx
Classification: Uncertain significance. Last evaluated: 2022-02-12. Review status: criteria provided, single submitter. Criteria: GeneDx Variant Classification Process June 2021. Collection method: clinical testing. Allele origin: germline. Affected: yes.
Comment: Not observed at significant frequency in large population cohorts (gnomAD); In silico analysis supports that this variant does not alter protein structure/function; Has not been previously published as pathogenic or benign to our knowledge

NM_003482.4(KMT2D):c.11843_11851dup (p.Gln3950_Gln3951insLeuGlnGln)

Gene: KMT2D (lysine methyltransferase 2D; minus strand). Cytogenetic location: 12q13.12.
Variant type: Duplication.
Coding change: c.11843_11851dup on transcript NM_003482.4 (MANE Select); coding-DNA positions 11843 to 11851, 9 bases duplicated (TTCAACAGC; older notation c.11843_11851dupTTCAACAGC).
Protein change: p.Gln3950_Gln3951insLeuGlnGln.
Molecular consequence: inframe insertion.
Genome position (GRCh38, 1-based): chr12:49,032,854-49,032,862, GCTGTTGAA duplicated on the plus strand (TTCAACAGC on the coding strand, the reverse complement: KMT2D is on the minus strand); duplicating any 9 consecutive bases within chr12:49,032,854-49,032,869 gives the same sequence; the c. name uses the placement nearest the transcript's 3' end. VCF-style (leftmost placement, unchanged base first): chr12-49032853-T-TGCTGTTGAA. GRCh37 (hg19) VCF-style: chr12-49426636-T-TGCTGTTGAA.
Identifiers: ClinVar variation 1701013 (VCV001701013.2), dbSNP rs2120435474, ClinGen allele CA2580085615.